The following is an entry in ClinVar:

ClinVar aggregate classification (germline): Likely benign (0 of 4 stars; one submission).

Conditions:
IFT172-related disorder. Also called: IFT172-related condition; IFT172-related disorders.

Submission:

PreventionGenetics, part of Exact Sciences
Classification: Likely benign for IFT172-related condition. Last evaluated: 2020-11-13. Review status: no assertion criteria provided. Collection method: clinical testing. Allele origin: germline.
Comment: This variant is classified as likely benign based on ACMG/AMP sequence variant interpretation guidelines (Richards et al. 2015 PMID: 25741868, with internal and published modifications).

NM_015662.3(IFT172):c.1692+4T>G

Gene: IFT172 (intraflagellar transport 172; minus strand). Cytogenetic location: 2p23.3.
Variant type: single nucleotide variant.
Coding change: c.1692+4T>G on transcript NM_015662.3 (MANE Select); 4 bases into the intron after coding-DNA position 1692, T replaced by G.
Molecular consequence: intron variant.
Genome position (GRCh38, 1-based): chr2:27,470,924, A>C on the plus strand (T>G on the coding strand, the complement: IFT172 is on the minus strand). VCF-style: chr2-27470924-A-C. GRCh37 (hg19) VCF-style: chr2-27693791-A-C.
Other names: c.1626+4T>G (NM_001410739.1).
Identifiers: ClinVar variation 3358720 (VCV003358720.1).